The following is an entry in ClinVar:

ClinVar aggregate classification (germline): Uncertain significance (1 of 4 stars; one submission).

Allele frequency attached by ClinVar (database versions not stated): gnomAD exomes below 0.00001.
gnomAD v4.1: 5 of 1,613,408 alleles (0.00031%); highest among the groups gnomAD compares: South Asian, 0.0055%; no homozygotes.

Submission:

Labcorp Genetics (formerly Invitae), Labcorp
Classification: Uncertain significance. Last evaluated: 2023-02-03. Review status: criteria provided, single submitter. Criteria: Invitae Variant Classification Sherloc (09022015). Collection method: clinical testing. Allele origin: germline.
Comment: In summary, the available evidence is currently insufficient to determine the role of this variant in disease. Therefore, it has been classified as a Variant of Uncertain Significance. Algorithms developed to predict the effect of missense changes on protein structure and function are either unavailable or do not agree on the potential impact of this missense change (SIFT: "Tolerated"; PolyPhen-2: "Possibly Damaging"; Align-GVGD: "Class C0"). This variant has not been reported in the literature in individuals affected with KMT2E-related conditions. This variant is not present in population databases (gnomAD no frequency). This sequence change replaces proline, which is neutral and non-polar, with leucine, which is neutral and non-polar, at codon 1551 of the KMT2E protein (p.Pro1551Leu).

NM_182931.3(KMT2E):c.4652C>T (p.Pro1551Leu)

Gene: KMT2E (lysine methyltransferase 2E (inactive); plus strand). Cytogenetic location: 7q22.3.
Variant type: single nucleotide variant.
Coding change: c.4652C>T on transcript NM_182931.3 (MANE Select); coding-DNA position 4652, C replaced by T.
Protein change: p.Pro1551Leu; replaces proline 1551 with leucine.
Molecular consequence: missense variant.
Genome position (GRCh38, 1-based): chr7:105,112,408, C>T. VCF-style: chr7-105112408-C-T. GRCh37 (hg19) VCF-style: chr7-104752855-C-T.
Other names: c.4526C>T, p.Pro1509Leu (NM_001410908.1); c.4652C>T, p.Pro1551Leu (NM_018682.4); short protein forms P1509L, P1551L.
Identifiers: ClinVar variation 2834301 (VCV002834301.3), dbSNP rs2536525443, ClinGen allele CA368793109.